The following is an entry in ClinVar:

NM_207352.4(CYP4V2):c.626T>C (p.Ile209Thr)

Gene: CYP4V2 (cytochrome P450 family 4 subfamily V member 2; plus strand). Cytogenetic location: 4q35.1.
Variant type: single nucleotide variant.
Coding change: c.626T>C on transcript NM_207352.4 (MANE Select); coding-DNA position 626, T replaced by C.
Protein change: p.Ile209Thr; replaces isoleucine 209 with threonine.
Molecular consequence: missense variant.
Genome position (GRCh38, 1-based): chr4:186,197,554, T>C. VCF-style: chr4-186197554-T-C. GRCh37 (hg19) VCF-style: chr4-187118708-T-C.
Other names: short protein forms I209T.
Identifiers: ClinVar variation 348303 (VCV000348303.10), dbSNP rs376640607, ClinGen allele CA3162613.

ClinVar aggregate classification (germline): Uncertain significance. Review status: criteria provided, multiple submitters, no conflicts (2 of 4 stars). 4 submissions from 3 submitters: Uncertain significance (4). Last evaluated 2024-09-16.

Conditions:
Corneal dystrophy. Identifiers: Orphanet 34533, MedGen C0010036, MONDO:0018102, HP:0001131.
Bietti crystalline corneoretinal dystrophy (BCD). Also called: Bietti Crystalline Dystrophy; BIETTI TAPETORETINAL DEGENERATION WITH MARGINAL CORNEAL DYSTROPHY. Identifiers: Orphanet 41751, MedGen C1859486, MONDO:0008865, OMIM 210370.

Allele frequency attached by ClinVar (database versions not stated): ExAC 0.00003; gnomAD 0.00003; gnomAD exomes 0.00003 and 0.00004; TOPMed 0.00005; ESP Exome Variant Server 0.00008.
gnomAD v4.1: 56 of 1,614,138 alleles (0.0035%); highest among the groups gnomAD compares: Non-Finnish European, 0.0044%; no homozygotes.

Submissions (4):

Blueprint Genetics
Classification: Uncertain significance. Last evaluated: 2024-09-16. Review status: criteria provided, single submitter. Criteria: ACMG Guidelines, 2015. Collection method: clinical testing. Allele origin: germline.

Labcorp Genetics (formerly Invitae), Labcorp
Classification: Uncertain significance. Last evaluated: 2022-08-16. Review status: criteria provided, single submitter. Criteria: Invitae Variant Classification Sherloc (09022015). Collection method: clinical testing. Allele origin: germline.
Comment: This sequence change replaces isoleucine, which is neutral and non-polar, with threonine, which is neutral and polar, at codon 209 of the CYP4V2 protein (p.Ile209Thr). This variant is present in population databases (rs376640607, gnomAD 0.007%). This variant has not been reported in the literature in individuals affected with CYP4V2-related conditions. ClinVar contains an entry for this variant (Variation ID: 348303). Advanced modeling of protein sequence and biophysical properties (such as structural, functional, and spatial information, amino acid conservation, physicochemical variation, residue mobility, and thermodynamic stability) performed at Invitae indicates that this missense variant is not expected to disrupt CYP4V2 protein function. In summary, the available evidence is currently insufficient to determine the role of this variant in disease. Therefore, it has been classified as a Variant of Uncertain Significance.

Illumina Laboratory Services, Illumina
Classification: Uncertain significance for Corneal dystrophy. Last evaluated: 2018-01-12. Review status: criteria provided, single submitter. Criteria: ICSL Variant Classification Criteria 13 December 2019. Collection method: clinical testing. Allele origin: germline.

Illumina Laboratory Services, Illumina
Classification: Uncertain significance for Bietti crystalline corneoretinal dystrophy. Last evaluated: 2018-01-12. Review status: criteria provided, single submitter. Criteria: ICSL Variant Classification Criteria 13 December 2019. Collection method: clinical testing. Allele origin: germline.